The following is an entry in ClinVar:

ClinVar aggregate classification (germline): Conflicting classifications of pathogenicity. Review status: criteria provided, conflicting classifications (1 of 4 stars). 7 submissions from 3 submitters: Uncertain significance (4); Benign (2); Likely benign (1). Last evaluated 2020-04-15.

Conditions:
Cardiomyopathy (CMYO). Also called: Cardiomyopathies. Identifiers: Orphanet 167848, MedGen C0878544, MONDO:0004994, HP:0001638. Inheritance: Various modes of inheritance.
Autosomal recessive limb-girdle muscular dystrophy type 2J (LGMDR10). Also called: MUSCULAR DYSTROPHY, LIMB-GIRDLE, AUTOSOMAL RECESSIVE 10; Limb-girdle muscular dystrophy, type 2J. Identifiers: Orphanet 140922, MedGen C1837342, MONDO:0012127, OMIM 608807.
Early-onset myopathy with fatal cardiomyopathy (CMYO5). Also called: CONGENITAL MYOPATHY 5 WITH CARDIOMYOPATHY; Salih Myopathy. Identifiers: Orphanet 289377, MedGen C2673677, MONDO:0012714, OMIM 611705. Disease mechanism: loss of function.
Myopathy, myofibrillar, 9, with early respiratory failure (MFM9). Also called: EDSTROM MYOPATHY; MYOPATHY, PROXIMAL, WITH EARLY RESPIRATORY MUSCLE INVOLVEMENT; Hereditary myopathy with early respiratory failure; Myopathy, distal, with early respiratory failure, autosomal dominant. Identifiers: Orphanet 178464, Orphanet 34521, MedGen C1863599, MONDO:0011362, OMIM 603689.
Tibial muscular dystrophy (TMD). Also called: Udd Distal Myopathy – Tibial Muscular Dystrophy; UDD MYOPATHY; Tibial muscular dystrophy, tardive. Identifiers: Orphanet 609, MedGen C1838244, MONDO:0010870, OMIM 600334.
Dilated cardiomyopathy 1G (CMD1G). Identifiers: Orphanet 154, MedGen C1858763, MONDO:0011400, OMIM 604145.

Allele frequency attached by ClinVar (database versions not stated): TOPMed 0.00004; gnomAD 0.00010; 1000 Genomes Project 0.00020; 1000 Genomes Project 30x 0.00031.
gnomAD v4.1: 31 of 1,613,532 alleles (0.0019%); highest among the groups gnomAD compares: East Asian, 0.051%; no homozygotes.

Submissions (7):

CHEO Genetics Diagnostic Laboratory, Children's Hospital of Eastern Ontario
Classification: Likely benign for Cardiomyopathy. Last evaluated: 2020-04-15. Review status: criteria provided, single submitter. Criteria: ACMG Guidelines, 2015. Collection method: clinical testing. Allele origin: germline.

Illumina Laboratory Services, Illumina
Classification: Benign for Myopathy, myofibrillar, 9, with early respiratory failure. Last evaluated: 2018-01-13. Review status: criteria provided, single submitter. Criteria: ICSL Variant Classification Criteria 13 December 2019. Collection method: clinical testing. Allele origin: germline.
Comment: This variant was observed in the ICSL laboratory as part of a predisposition screen in an ostensibly healthy population. It had not been previously curated by ICSL or reported in the Human Gene Mutation Database (HGMD: prior to June 1st, 2018), and was therefore a candidate for classification through an automated scoring system. Utilizing variant allele frequency, disease prevalence and penetrance estimates, and inheritance mode, an automated score was calculated to assess if this variant is too frequent to cause the disease. Based on the score and internal cut-off values, a variant classified as benign is not then subjected to further curation. The score for this variant resulted in a classification of benign for this disease.

Illumina Laboratory Services, Illumina
Classification: Uncertain significance for Early-onset myopathy with fatal cardiomyopathy. Last evaluated: 2018-01-13. Review status: criteria provided, single submitter. Criteria: ICSL Variant Classification Criteria 13 December 2019. Collection method: clinical testing. Allele origin: germline.

Illumina Laboratory Services, Illumina
Classification: Uncertain significance for Autosomal recessive limb-girdle muscular dystrophy type 2J. Last evaluated: 2018-01-13. Review status: criteria provided, single submitter. Criteria: ICSL Variant Classification Criteria 13 December 2019. Collection method: clinical testing. Allele origin: germline.

Illumina Laboratory Services, Illumina
Classification: Uncertain significance for Dilated cardiomyopathy 1G. Last evaluated: 2018-01-13. Review status: criteria provided, single submitter. Criteria: ICSL Variant Classification Criteria 13 December 2019. Collection method: clinical testing. Allele origin: germline.

Illumina Laboratory Services, Illumina
Classification: Benign for Tibial muscular dystrophy. Last evaluated: 2018-01-13. Review status: criteria provided, single submitter. Criteria: ICSL Variant Classification Criteria 13 December 2019. Collection method: clinical testing. Allele origin: germline.
Comment: the same text as in the submission from Illumina Laboratory Services, Illumina above.

Laboratory for Molecular Medicine, Mass General Brigham Personalized Medicine
Classification: Uncertain significance. Last evaluated: 2015-03-16. Review status: criteria provided, single submitter. Criteria: LMM Criteria. Collection method: clinical testing. Allele origin: germline. Observed: 1 variant allele.
Comment: The p.Cys7471Tyr variant in TTN has not been previously reported in individuals with cardiomyopathy, but has been identified in 7/8620 East Asian chromosomes by the Exome Aggregation Consortium (ExAC; dbSNP r s183499397). Computational prediction tools and conservation analysis do not pro vide strong support for or against an impact to the protein. In summary, the cli nical significance of the p.Cys7471Tyr variant is uncertain.

NM_001267550.2(TTN):c.26144G>A (p.Cys8715Tyr)

Gene: TTN (titin; minus strand). Cytogenetic location: 2q31.2.
Variant type: single nucleotide variant.
Coding change: c.26144G>A on transcript NM_001267550.2 (MANE Select); coding-DNA position 26144, G replaced by A.
Protein change: p.Cys8715Tyr; replaces cysteine 8715 with tyrosine.
Molecular consequence: missense variant. On other transcripts: intron variant (3).
Genome position (GRCh38, 1-based): chr2:178,715,042, C>T on the plus strand (G>A on the coding strand, the complement: TTN is on the minus strand). VCF-style: chr2-178715042-C-T. GRCh37 (hg19) VCF-style: chr2-179579769-C-T.
Other names: c.25193G>A, p.Cys8398Tyr (NM_001256850.1); c.13282+23040G>A (NM_003319.4); c.13858+23040G>A (NM_133437.4); c.13657+23040G>A (NM_133432.3); c.22412G>A, p.Cys7471Tyr (NM_133378.4); short protein forms C7471Y, C8715Y, C8398Y.
Identifiers: ClinVar variation 229405 (VCV000229405.17), dbSNP rs183499397, ClinGen allele CA2000068.